The following is an entry in ClinVar:

NM_014727.3(KMT2B):c.871G>A (p.Gly291Arg)

Gene: KMT2B (lysine methyltransferase 2B; plus strand). Cytogenetic location: 19q13.12.
Variant type: single nucleotide variant.
Coding change: c.871G>A on transcript NM_014727.3 (MANE Select); coding-DNA position 871, G replaced by A.
Protein change: p.Gly291Arg; replaces glycine 291 with arginine.
Molecular consequence: missense variant.
Genome position (GRCh38, 1-based): chr19:35,720,218, G>A. VCF-style: chr19-35720218-G-A. GRCh37 (hg19) VCF-style: chr19-36211120-G-A.
Other names: short protein forms G291R.
Identifiers: ClinVar variation 5002850 (VCV005002850.1).

ClinVar aggregate classification (germline): Uncertain significance (1 of 4 stars; one submission).

Conditions:
Intellectual developmental disorder, autosomal dominant 68 (MRD68). Also called: MENTAL RETARDATION, AUTOSOMAL DOMINANT 68. Identifiers: MedGen C5677008, MONDO:0030969, OMIM 619934.

gnomAD v4.1: 1 of 1,610,650 alleles (0.000062%); highest among the groups gnomAD compares: Non-Finnish European, 0.000085%; no homozygotes.

Submission:

OLLIN Analises Genomicas, OLLIN
Classification: Uncertain significance for Intellectual developmental disorder, autosomal dominant 68. Last evaluated: 2026-08-06. Review status: criteria provided, single submitter. Criteria: ACMG Guidelines 2015 PMID 25741868. Collection method: clinical testing. Allele origin: germline. Inheritance: Autosomal dominant inheritance.
Comment: This missense variant, located in exon 3 (of 37), has been observed in gnomAD with an allele frequency of 0.000062%, but has not been reported in ClinVar or identified in the literature. In silico analysis is inconclusive regarding the impact of this variant. According to the currently available evidence, this variant has been classified as uncertain significance (PM2_P).